The following is an entry in ClinVar:

ClinVar aggregate classification (germline): Pathogenic. Review status: criteria provided, multiple submitters, no conflicts (2 of 4 stars). 3 submissions from 3 submitters: Pathogenic (3). Last evaluated 2025-09-22.

Conditions:
Oculocutaneous albinism. Identifiers: Orphanet 55, MedGen C0078918, MONDO:0018910.

Allele frequency attached by ClinVar (database versions not stated): gnomAD exomes below 0.00001; gnomAD 0.00001 and 0.00002.

Submissions (3):

GeneDx
Classification: Pathogenic. Last evaluated: 2025-09-22. Review status: criteria provided, single submitter. Criteria: GeneDx Variant Classification Process June 2021. Collection method: clinical testing. Allele origin: germline. Affected: yes.
Comment: Frameshift variant predicted to result in protein truncation or nonsense mediated decay in a gene for which loss-of-function is a known mechanism of disease; Has not been previously published as pathogenic or benign to our knowledge

Labcorp Genetics (formerly Invitae), Labcorp
Classification: Pathogenic. Last evaluated: 2023-12-14. Review status: criteria provided, single submitter. Criteria: Invitae Variant Classification Sherloc (09022015). Collection method: clinical testing. Allele origin: germline.
Comment: This sequence change creates a premature translational stop signal (p.Leu189Valfs*31) in the OCA2 gene. It is expected to result in an absent or disrupted protein product. Loss-of-function variants in OCA2 are known to be pathogenic (PMID: 19865097, 21541274). This variant is present in population databases (no rsID available, gnomAD 0.01%). This variant has not been reported in the literature in individuals affected with OCA2-related conditions. ClinVar contains an entry for this variant (Variation ID: 817980). For these reasons, this variant has been classified as Pathogenic.

Women's Health and Genetics/Laboratory Corporation of America, LabCorp
Classification: Pathogenic for Oculocutaneous albinism. Last evaluated: 2023-08-18. Review status: criteria provided, single submitter. Criteria: LabCorp Variant Classification Summary - May 2015. Collection method: clinical testing. Allele origin: germline.
Comment: Variant summary: OCA2 c.565_566delCT (p.Leu189ValfsX31) results in a premature termination codon, predicted to cause a truncation of the encoded protein or absence of the protein due to nonsense mediated decay, which are commonly known mechanisms for disease. Variants downstream of this position have been classified as pathogenic in ClinVar. The variant was absent in 249382 control chromosomes (gnomAD). To our knowledge, no occurrence of c.565_566delCT in individuals affected with Oculocutaneous Albinism and no experimental evidence demonstrating its impact on protein function have been reported. One submitter has cited clinical-significance assessments for this variant to ClinVar after 2014 and has classified the variant as likely pathogenic. Based on the evidence outlined above, the variant was classified as pathogenic.

Literature cited by the submitters: PubMed 19865097 (cited by Labcorp Genetics (formerly Invitae), Labcorp); PubMed 21541274 (cited by Labcorp Genetics (formerly Invitae), Labcorp).

NM_000275.3(OCA2):c.565_566del (p.Leu189fs)

Gene: OCA2 (OCA2 melanosomal transmembrane protein; minus strand). Cytogenetic location: 15q13.1.
Variant type: Deletion.
Coding change: c.565_566del on transcript NM_000275.3 (MANE Select); coding-DNA positions 565 to 566, 2 bases deleted (CT; older notation c.565_566delCT).
Protein change: p.Leu189fs; shifts the reading frame from leucine 189.
Molecular consequence: frameshift variant.
Genome position (GRCh38, 1-based): chr15:28,024,852-28,024,853, AG deleted on the plus strand (CT on the coding strand, the reverse complement: OCA2 is on the minus strand). VCF-style (leftmost placement, unchanged base first): chr15-28024851-CAG-C. GRCh37 (hg19) VCF-style: chr15-28269997-CAG-C.
Other names: c.565_566delCT (NM_000275.2); c.565_566del, p.Leu189fs (NM_001300984.2); c.565_566del (NM_000275.2); short protein forms L189fs.
Identifiers: ClinVar variation 817980 (VCV000817980.6), dbSNP rs1312967591, ClinGen allele CA616706016.